The following is an entry in ClinVar:

NM_000138.5(FBN1):c.3446A>G (p.Asn1149Ser)

Gene: FBN1 (fibrillin 1; minus strand). Cytogenetic location: 15q21.1.
Variant type: single nucleotide variant.
Coding change: c.3446A>G on transcript NM_000138.5 (MANE Select); coding-DNA position 3446, A replaced by G.
Protein change: p.Asn1149Ser; replaces asparagine 1149 with serine.
Molecular consequence: missense variant.
Genome position (GRCh38, 1-based): chr15:48,487,329, T>C on the plus strand (A>G on the coding strand, the complement: FBN1 is on the minus strand). VCF-style: chr15-48487329-T-C. GRCh37 (hg19) VCF-style: chr15-48779526-T-C.
Other names: short protein forms N1149S.
Identifiers: ClinVar variation 452521 (VCV000452521.18), dbSNP rs147584221, ClinGen allele CA050611.

ClinVar aggregate classification (germline): Conflicting classifications of pathogenicity. Review status: criteria provided, conflicting classifications (1 of 4 stars). 6 submissions from 6 submitters: Uncertain significance (4); Benign (1); Likely benign (1). Last evaluated 2026-08-18.

Conditions:
Familial thoracic aortic aneurysm and aortic dissection (TAAD). Also called: Thoracic aortic aneurysms and dissections. Identifiers: Orphanet 91387, MedGen C4707243, MONDO:0019625.
Ectopia lentis 1, isolated, autosomal dominant (ECTOL1). Identifiers: Orphanet 1885, MedGen C3541518, MONDO:0007514, OMIM 129600.
Weill-Marchesani syndrome 2, dominant. Also called: FBN1-Related Weill-Marchesani Syndrome; Weill-Marchesani Syndrome, Autosomal Dominant. Identifiers: Orphanet 2084, MedGen C1869115, MONDO:0012013, OMIM 608328.
Acromicric dysplasia (ACMICD). Also called: Acromicric skeletal dysplasia. Identifiers: Orphanet 969, MedGen C0265287, MONDO:0007055, OMIM 102370.
Marfan syndrome (MFS). Also called: Marfan syndrome type 1; Marfan's syndrome; MARFAN SYNDROME, TYPE I; FBN1-Related Marfan Syndrome; Marfan syndrome, classic. Identifiers: Orphanet 284963, Orphanet 558, MedGen C0024796, MONDO:0007947, OMIM 154700.
MASS syndrome (OCTD). Also called: MASS PHENOTYPE; OVERLAP CONNECTIVE TISSUE DISEASE. Identifiers: MedGen C1858556, MONDO:0011431, OMIM 604308.
Stiff skin syndrome (SSKS). Identifiers: Orphanet 2833, MedGen C1861456, MONDO:0008492, OMIM 184900.
Geleophysic dysplasia 2 (GPHYSD2). Identifiers: Orphanet 2623, MedGen C3280054, MONDO:0013612, OMIM 614185.
Progeroid and marfanoid aspect-lipodystrophy syndrome. Also called: MARFANOID-PROGEROID SYNDROME; MARFAN-PROGEROID-LIPODYSTROPHY SYNDROME; Marfan lipodystrophy syndrome; MARFANOID-PROGEROID-LIPODYSTROPHY SYNDROME. Identifiers: Orphanet 300382, MedGen C4310796, MONDO:0014831, OMIM 616914.

Allele frequency attached by ClinVar (database versions not stated): gnomAD 0.00002; gnomAD exomes 0.00002 and 0.00004; TOPMed 0.00003; ExAC 0.00005; ESP Exome Variant Server 0.00015.
gnomAD v4.1: 25 of 1,614,096 alleles (0.0015%); highest among the groups gnomAD compares: South Asian, 0.0066%; no homozygotes.

Submissions (6):

Ambry Genetics
Classification: Uncertain significance for Familial thoracic aortic aneurysm and aortic dissection. Last evaluated: 2026-08-18. Review status: criteria provided, single submitter. Criteria: Ambry Variant Classification Scheme 2023. Collection method: clinical testing. Allele origin: germline.

Labcorp Genetics (formerly Invitae), Labcorp
Classification: Benign for Marfan syndrome; Familial thoracic aortic aneurysm and aortic dissection. Last evaluated: 2026-01-15. Review status: criteria provided, single submitter. Criteria: Invitae Variant Classification Sherloc (09022015). Collection method: clinical testing. Allele origin: germline.

Color Diagnostics, LLC DBA Color Health
Classification: Likely benign for Familial thoracic aortic aneurysm and aortic dissection. Last evaluated: 2024-10-29. Review status: criteria provided, single submitter. Criteria: ACMG Guidelines, 2015. Collection method: clinical testing. Allele origin: germline.

All of Us Research Program, National Institutes of Health
Classification: Uncertain significance for Marfan syndrome. Last evaluated: 2023-11-30. Review status: criteria provided, single submitter. Criteria: ACMG Guidelines, 2015. Collection method: clinical testing. Allele origin: germline. Inheritance: Autosomal dominant inheritance. Observed: 3 variant alleles, 3 heterozygotes.
Comment: This missense variant replaces asparagine with serine at codon 1149 of the FBN1 protein. Computational prediction suggests that this variant may not impact protein structure and function (internally defined REVEL score threshold <= 0.5, PMID: 27666373). To our knowledge, functional studies have not been reported for this variant. This variant has not been reported in individuals affected with cardiovascular disorders in the literature. This variant has been identified in 9/251474 chromosomes in the general population by the Genome Aggregation Database (gnomAD). The available evidence is insufficient to determine the role of this variant in disease conclusively. Therefore, this variant is classified as a Variant of Uncertain Significance.

This study involves interpretation of variants in research participants for the purpose of population health screening. Participant phenotype was not available at the time of variant classification. Additional details can be found in publication PMID: 35346344, PMCID: PMC8962531

Fulgent Genetics
Classification: Uncertain significance for Acromicric dysplasia; Ectopia lentis 1, isolated, autosomal dominant; Marfan syndrome; Stiff skin syndrome; MASS syndrome; Weill-Marchesani syndrome 2, dominant; Geleophysic dysplasia 2; Progeroid and marfanoid aspect-lipodystrophy syndrome. Last evaluated: 2021-08-03. Review status: criteria provided, single submitter. Criteria: ACMG Guidelines, 2015. Collection method: clinical testing. Allele origin: unknown.

GeneDx
Classification: Uncertain significance. Last evaluated: 2017-10-03. Review status: criteria provided, single submitter. Criteria: GeneDx Variant Classification (06012015). Collection method: clinical testing. Allele origin: germline. Affected: yes.
Comment: The N1149S variant in the FBN1 gene has not been reported previously as a pathogenic variant, nor as a benign variant, to our knowledge. The N1149S variant is observed in 1/15,304 (0.007%) alleles from individuals of African background and in 6/111,710 (0.005%) alleles from individuals of non-Finnish European background in the gnomAD dataset (Lek et al., 2016). The N1149S variant is a conservative amino acid substitution, which occurs at a position that is conserved in mammals. In silico analysis is inconsistent in its predictions as to whether or not the variant is damaging to the protein structure/function. We interpret N1149S as a variant of uncertain significance.